The following is an entry in ClinVar:

ClinVar aggregate classification (germline): Uncertain significance (1 of 4 stars; one submission).

Conditions:
Familial adenomatous polyposis 1 (FAP1). Also called: FAMILIAL ADENOMATOUS POLYPOSIS 1, ATTENUATED; POLYPOSIS, ADENOMATOUS INTESTINAL. Identifiers: MedGen C2713442, MONDO:0021056, OMIM 175100. Disease mechanism: loss of function.

Submission:

Labcorp Genetics (formerly Invitae), Labcorp
Classification: Uncertain significance for Familial adenomatous polyposis 1. Last evaluated: 2019-08-21. Review status: criteria provided, single submitter. Criteria: Invitae Variant Classification Sherloc (09022015). Collection method: clinical testing. Allele origin: germline.
Comment: In summary, the available evidence is currently insufficient to determine the role of this variant in disease. Therefore, it has been classified as a Variant of Uncertain Significance. Experimental studies and prediction algorithms are not available for this variant, and the functional significance of this non-coding change is currently unknown. This variant has not been reported in the literature in individuals with APC-related conditions. The frequency data for this variant in the population databases is considered unreliable, as metrics indicate insufficient coverage at this position in the ExAC database. This variant occurs in a non-coding region of the APC gene. It does not change the encoded amino acid sequence of the APC protein.

NC_000005.10:g.112707339A>G

Gene: APC (APC regulator of Wnt signaling pathway; plus strand). Cytogenetic location: 5q22.2.
Variant type: single nucleotide variant.
Genome position: GRCh38 VCF-style: chr5-112707339-A-G. GRCh37 (hg19) VCF-style: chr5-112043036-A-G.
Identifiers: ClinVar variation 999173 (VCV000999173.10), dbSNP rs1554060095, ClinGen allele CA1573442173.